The following is an entry in ClinVar:

ClinVar aggregate classification (germline): Pathogenic. Review status: criteria provided, multiple submitters, no conflicts (2 of 4 stars). 2 submissions from 2 submitters: Pathogenic (2). Last evaluated 2023-07-14.

Conditions:
Megalencephalic leukoencephalopathy with subcortical cysts 2B, remitting, with or without impaired intellectual development. Also called: Megalencephalic leukoencephalopathy with subcortical cysts 2B, remitting, with or without intellectual disability. Identifiers: Orphanet 2478, MedGen C3151356, MONDO:0013491, OMIM 613926.

Allele frequency attached by ClinVar (database versions not stated): gnomAD exomes 0.00001 and below 0.00001; ExAC 0.00002.
gnomAD v4.1: 2 of 1,613,508 alleles (0.00012%); highest among the groups gnomAD compares: Non-Finnish European, 0.00017%; no homozygotes.

Submissions (2):

Women's Health and Genetics/Laboratory Corporation of America, LabCorp
Classification: Pathogenic for Megalencephalic leukoencephalopathy with subcortical cysts 2B, remitting, with or without impaired intellectual development. Last evaluated: 2023-07-14. Review status: criteria provided, single submitter. Criteria: LabCorp Variant Classification Summary - May 2015. Collection method: clinical testing. Allele origin: germline.
Comment: Variant summary: HEPACAM c.523A>T (p.Lys175X) results in a premature termination codon, predicted to cause a truncation of the encoded protein or absence of the protein due to nonsense mediated decay, which are commonly known mechanisms for disease. The variant allele was found at a frequency of 8e-06 in 250402 control chromosomes. To our knowledge, no occurrence of c.523A>T in individuals affected with Megalencephalic Leukoencephalopathy With Subcortical Cysts 2b, Remitting, With Or Without Mental Retardation and no experimental evidence demonstrating its impact on protein function have been reported. One submitter has cited clinical-significance assessments for this variant to ClinVar after 2014 and has classified the variant as pathogenic. Based on the evidence outlined above, the variant was classified as pathogenic.

Labcorp Genetics (formerly Invitae), Labcorp
Classification: Pathogenic. Last evaluated: 2018-06-18. Review status: criteria provided, single submitter. Criteria: Invitae Variant Classification Sherloc (09022015). Collection method: clinical testing. Allele origin: germline.
Comment: This sequence change creates a premature translational stop signal (p.Lys175*) in the HEPACAM gene. It is expected to result in an absent or disrupted protein product. This variant is present in population databases (rs752637604, ExAC 0.01%). This variant has not been reported in the literature in individuals with HEPACAM-related disease. Loss-of-function variants in HEPACAM are known to be pathogenic (PMID: 21419380, 24202401). For these reasons, this variant has been classified as Pathogenic.

Literature cited by the submitters: PubMed 21419380 (cited by Labcorp Genetics (formerly Invitae), Labcorp); PubMed 24202401 (cited by Labcorp Genetics (formerly Invitae), Labcorp).

NM_152722.5(HEPACAM):c.523A>T (p.Lys175Ter)

Gene: HEPACAM (hepatic and glial cell adhesion molecule; minus strand). Cytogenetic location: 11q24.2.
Variant type: single nucleotide variant.
Coding change: c.523A>T on transcript NM_152722.5 (MANE Select); coding-DNA position 523, A replaced by T.
Protein change: p.Lys175Ter; replaces lysine 175 with a stop codon.
Molecular consequence: nonsense.
Genome position (GRCh38, 1-based): chr11:124,923,915, T>A on the plus strand (A>T on the coding strand, the complement: HEPACAM is on the minus strand). VCF-style: chr11-124923915-T-A. GRCh37 (hg19) VCF-style: chr11-124793811-T-A.
Other names: c.523A>T (NM_152722.4); short protein forms K175*.
Identifiers: ClinVar variation 1068633 (VCV001068633.7), dbSNP rs752637604, ClinGen allele CA6345720.
Genomic context (GRCh38, chr11:124,923,915, plus strand): 5'-GGAGCATTCTCGAGTCATTGAGGAGGGGCTTGCCATCCTTCAGCCAGGTGTAGCTGGGCT[T>A]GGTGCCATTCTCATGTGAGCAGTTCAAGGTGAAGGCCTCGCTGAGCTCCAGCACAGTGGT-3'